The following is an entry in ClinVar:

ClinVar aggregate classification (germline): Uncertain significance (1 of 4 stars; one submission).

Conditions:
Charcot-Marie-Tooth disease type 2R. Also called: CHARCOT-MARIE-TOOTH DISEASE, AXONAL, AUTOSOMAL RECESSIVE, TYPE 2R; CHARCOT-MARIE-TOOTH NEUROPATHY, TYPE 2R; Charcot-Marie-Tooth disease, axonal, type 2R. Identifiers: Orphanet 397968, MedGen C3809655, MONDO:0014208, OMIM 615490.

Allele frequency attached by ClinVar (database versions not stated): gnomAD exomes below 0.00001; TOPMed below 0.00001; gnomAD 0.00001.
gnomAD v4.1: 5 of 1,613,782 alleles (0.00031%); highest among the groups gnomAD compares: Admixed American, 0.0017%; no homozygotes.

Submission:

Labcorp Genetics (formerly Invitae), Labcorp
Classification: Uncertain significance for Charcot-Marie-Tooth disease type 2R. Last evaluated: 2024-08-14. Review status: criteria provided, single submitter. Criteria: Invitae Variant Classification Sherloc (09022015). Collection method: clinical testing. Allele origin: germline.
Comment: This sequence change replaces glycine, which is neutral and non-polar, with serine, which is neutral and polar, at codon 361 of the TRIM2 protein (p.Gly361Ser). This variant is present in population databases (no rsID available, gnomAD 0.003%). This variant has not been reported in the literature in individuals affected with TRIM2-related conditions. An algorithm developed to predict the effect of missense changes on protein structure and function (PolyPhen-2) suggests that this variant is likely to be disruptive. In summary, the available evidence is currently insufficient to determine the role of this variant in disease. Therefore, it has been classified as a Variant of Uncertain Significance.

NM_015271.5(TRIM2):c.1162G>A (p.Gly388Ser)

Gene: TRIM2 (tripartite motif containing 2; plus strand). Cytogenetic location: 4q31.3.
Variant type: single nucleotide variant.
Coding change: c.1162G>A on transcript NM_015271.5 (MANE Select); coding-DNA position 1162, G replaced by A.
Protein change: p.Gly388Ser; replaces glycine 388 with serine.
Molecular consequence: missense variant.
Genome position (GRCh38, 1-based): chr4:153,295,688, G>A. VCF-style: chr4-153295688-G-A. GRCh37 (hg19) VCF-style: chr4-154216840-G-A.
Other names: c.1081G>A, p.Gly361Ser (NM_001130067.2, NM_001351056.2, NM_001375512.1 and 5 more transcripts); c.1135G>A, p.Gly379Ser (NM_001351054.2); c.1132G>A, p.Gly378Ser (NM_001351055.2); c.706G>A, p.Gly236Ser (NM_001351057.2); c.1255G>A, p.Gly419Ser (NM_001375488.1); c.1252G>A, p.Gly418Ser (NM_001375489.1); c.1105G>A, p.Gly369Ser (NM_001375490.1); c.1102G>A, p.Gly368Ser (NM_001375491.1); and 3 more; short protein forms G388S, G361S, G419S, G236S, G275S, G277S, G368S, G369S.
Identifiers: ClinVar variation 2911037 (VCV002911037.3), dbSNP rs1166833129, ClinGen allele CA358473101.